The following is an entry in ClinVar:

ClinVar aggregate classification (germline): Uncertain significance (1 of 4 stars; one submission).

Allele frequency attached by ClinVar (database versions not stated): gnomAD 0.00001; gnomAD exomes 0.00001; TOPMed 0.00001.
gnomAD v4.1: 19 of 1,613,976 alleles (0.0012%); highest among the groups gnomAD compares: South Asian, 0.02%; no homozygotes.

Submission:

Labcorp Genetics (formerly Invitae), Labcorp
Classification: Uncertain significance. Last evaluated: 2022-12-21. Review status: criteria provided, single submitter. Criteria: Invitae Variant Classification Sherloc (09022015). Collection method: clinical testing. Allele origin: germline.
Comment: Algorithms developed to predict the effect of missense changes on protein structure and function (SIFT, PolyPhen-2, Align-GVGD) all suggest that this variant is likely to be disruptive. This variant has not been reported in the literature in individuals affected with CTNNB1-related conditions. This variant is present in population databases (no rsID available, gnomAD 0.003%). This sequence change replaces glycine, which is neutral and non-polar, with valine, which is neutral and non-polar, at codon 361 of the CTNNB1 protein (p.Gly361Val). In summary, the available evidence is currently insufficient to determine the role of this variant in disease. Therefore, it has been classified as a Variant of Uncertain Significance.

NM_001904.4(CTNNB1):c.1082G>T (p.Gly361Val)

Gene: CTNNB1 (catenin beta 1; plus strand). Cytogenetic location: 3p22.1.
Variant type: single nucleotide variant.
Coding change: c.1082G>T on transcript NM_001904.4 (MANE Select); coding-DNA position 1082, G replaced by T.
Protein change: p.Gly361Val; replaces glycine 361 with valine.
Molecular consequence: missense variant.
Genome position (GRCh38, 1-based): chr3:41,233,341, G>T. VCF-style: chr3-41233341-G-T. GRCh37 (hg19) VCF-style: chr3-41274832-G-T.
Other names: c.1082G>T, p.Gly361Val (NM_001098209.2, NM_001098210.2); c.1061G>T, p.Gly354Val (NM_001330729.2); short protein forms G354V, G361V.
Identifiers: ClinVar variation 2806079 (VCV002806079.3), dbSNP rs1443251066, ClinGen allele CA352231986.
Genomic context (GRCh38, chr3:41,233,341, plus strand): 5'-TAGGATTGATAGGCACTTCTAGCTAATGACTAGGGCCTTATATCCTTTTTAATTTTCTAG[G>T]TGGAATGCAAGCTTTAGGACTTCACCTGACAGATCCAAGTCAACGTCTTGTTCAGAACTG-3'
Protein context (NP_001895.1, residues 351-371): SSNKPAIVEA[Gly361Val]GMQALGLHLT